The following is an entry in ClinVar:

ClinVar aggregate classification (germline): Conflicting classifications of pathogenicity. Review status: criteria provided, conflicting classifications (1 of 4 stars). 3 submissions from 3 submitters: Likely pathogenic (2); Uncertain significance (1). Last evaluated 2025-06-22.

Conditions:
Noonan syndrome (NS). Also called: Noonan's syndrome. Identifiers: Orphanet 648, MedGen C0028326, MeSH D009634, MONDO:0018997. Disease mechanism: gain of function.
Cardio-facio-cutaneous syndrome. Also called: Cardiofaciocutaneous syndrome; CFC syndrome. Identifiers: Orphanet 1340, MedGen C1275081, MONDO:0015280. Disease mechanism: gain of function.
RASopathy. Also called: Noonan spectrum disorder; rasopathies. Identifiers: Orphanet 536391, MedGen C5555857, MONDO:0021060.

Submissions (3):

GeneDx
Classification: Likely pathogenic. Last evaluated: 2025-06-22. Review status: criteria provided, single submitter. Criteria: GeneDx Variant Classification Process June 2021. Collection method: clinical testing. Allele origin: germline. Affected: yes.
Comment: Reported in individuals with cardio-facio-cutaneous (CFC) syndrome in published literature (PMID: 33482860, 37510243, 34573299); Missense variants in this gene are a common cause of disease and they are underrepresented in the general population; Not observed at significant frequency in large population cohorts (gnomAD); In silico analysis supports that this missense variant has a deleterious effect on protein structure/function; This variant is associated with the following publications: (PMID: 33482860, 29493581, 34643321, 37510243, 34573299)

Labcorp Genetics (formerly Invitae), Labcorp
Classification: Uncertain significance for RASopathy. Last evaluated: 2024-10-21. Review status: criteria provided, single submitter. Criteria: Invitae Variant Classification Sherloc (09022015). Collection method: clinical testing. Allele origin: germline.
Comment: This sequence change replaces lysine, which is basic and polar, with asparagine, which is neutral and polar, at codon 483 of the BRAF protein (p.Lys483Asn). This variant is not present in population databases (gnomAD no frequency). This missense change has been observed in individual(s) with clinical features of BRAF-related conditions (PMID: 34643321). ClinVar contains an entry for this variant (Variation ID: 177878). Invitae Evidence Modeling of protein sequence and biophysical properties (such as structural, functional, and spatial information, amino acid conservation, physicochemical variation, residue mobility, and thermodynamic stability) indicates that this missense variant is expected to disrupt BRAF protein function with a positive predictive value of 80%. This variant disrupts the p.Lys483 amino acid residue in BRAF. Other variant(s) that disrupt this residue have been determined to be pathogenic (internal data). This suggests that this residue is clinically significant, and that variants that disrupt this residue are likely to be disease-causing. In summary, the available evidence is currently insufficient to determine the role of this variant in disease. Therefore, it has been classified as a Variant of Uncertain Significance.

Laboratory for Molecular Medicine, Mass General Brigham Personalized Medicine
Classification: Likely pathogenic for Noonan syndrome; Cardio-facio-cutaneous syndrome. Last evaluated: 2018-02-15. Review status: criteria provided, single submitter. Criteria: LMM Criteria. Collection method: clinical testing. Allele origin: germline. Observed: 1 variant allele.
Comment: proposed classification - variant undergoing re-assessment, contact laboratory

Literature cited by the submitters: PubMed 34643321 (cited by Labcorp Genetics (formerly Invitae), Labcorp).

NM_004333.6(BRAF):c.1449A>C (p.Lys483Asn)

Gene: BRAF (B-Raf proto-oncogene, serine/threonine kinase; minus strand). Cytogenetic location: 7q34.
Variant type: single nucleotide variant.
Coding change: c.1449A>C on transcript NM_004333.6 (MANE Select); coding-DNA position 1449, A replaced by C.
Protein change: p.Lys483Asn; replaces lysine 483 with asparagine.
Molecular consequence: missense variant.
Genome position (GRCh38, 1-based): chr7:140,778,059, T>G on the plus strand (A>C on the coding strand, the complement: BRAF is on the minus strand). VCF-style: chr7-140778059-T-G. GRCh37 (hg19) VCF-style: chr7-140477859-T-G.
Other names: c.1449A>C, p.Lys483Asn (NM_001354609.2, NM_001378468.1, NM_001378474.1); c.1569A>C, p.Lys523Asn (NM_001374244.1, NM_001374258.1); c.1458A>C, p.Lys486Asn (NM_001378467.1); c.1383A>C, p.Lys461Asn (NM_001378469.1); c.1347A>C, p.Lys449Asn (NM_001378470.1); c.1338A>C, p.Lys446Asn (NM_001378471.1); c.1293A>C, p.Lys431Asn (NM_001378472.1, NM_001378473.1); c.1185A>C, p.Lys395Asn (NM_001378475.1); short protein forms K483N, K431N, K486N, K523N, K395N, K449N, K461N, K446N.
Identifiers: ClinVar variation 177878 (VCV000177878.7), dbSNP rs727504375, ClinGen allele CA273507.